The following is an entry in ClinVar:

ClinVar aggregate classification (germline): Uncertain significance. Review status: criteria provided, multiple submitters, no conflicts (2 of 4 stars). 3 submissions from 3 submitters: Uncertain significance (3). Last evaluated 2025-12-17.

Conditions:
Gastrointestinal stromal tumor. Also called: Gastrointestinal stroma tumor; Gastrointestinal stromal tumor, somatic. Identifiers: Orphanet 44890, MedGen C0238198, MeSH D046152, MONDO:0011719, OMIM 606764, HP:0100723.
PDGFRA-related disorder. Also called: PDGFRA-related condition.
Hereditary cancer-predisposing syndrome. Also called: Tumor predisposition; Hereditary neoplastic syndrome; Hereditary Cancer Syndrome; Neoplastic Syndromes, Hereditary. Identifiers: Orphanet 140162, MedGen C0027672, MeSH D009386, MONDO:0015356.

Allele frequency attached by ClinVar (database versions not stated): gnomAD exomes below 0.00001; TOPMed 0.00001.
gnomAD v4.1: 1 of 1,613,494 alleles (0.000062%); highest among the groups gnomAD compares: Non-Finnish European, 0.000085%; no homozygotes.

Submissions (3):

Ambry Genetics
Classification: Uncertain significance for Hereditary cancer-predisposing syndrome. Last evaluated: 2025-12-17. Review status: criteria provided, single submitter. Criteria: Ambry Variant Classification Scheme 2023. Collection method: clinical testing. Allele origin: germline.
Comment: The p.P124L variant (also known as c.371C>T), located in coding exon 3 of the PDGFRA gene, results from a C to T substitution at nucleotide position 371. The proline at codon 124 is replaced by leucine, an amino acid with similar properties. This amino acid position is highly conserved in available vertebrate species. In addition, this alteration is predicted to be tolerated by in silico analysis. Based on the available evidence, the clinical significance of this variant remains unclear.

Labcorp Genetics (formerly Invitae), Labcorp
Classification: Uncertain significance for Gastrointestinal stromal tumor. Last evaluated: 2025-11-10. Review status: criteria provided, single submitter. Criteria: Invitae Variant Classification Sherloc (09022015). Collection method: clinical testing. Allele origin: germline.
Comment: This sequence change replaces proline, which is neutral and non-polar, with leucine, which is neutral and non-polar, at codon 124 of the PDGFRA protein (p.Pro124Leu). This variant is not present in population databases (gnomAD no frequency). This variant has not been reported in the literature in individuals affected with PDGFRA-related conditions. ClinVar contains an entry for this variant (Variation ID: 528612). Invitae Evidence Modeling of protein sequence and biophysical properties (such as structural, functional, and spatial information, amino acid conservation, physicochemical variation, residue mobility, and thermodynamic stability) indicates that this missense variant is not expected to disrupt PDGFRA protein function with a negative predictive value of 80%. In summary, the available evidence is currently insufficient to determine the role of this variant in disease. Therefore, it has been classified as a Variant of Uncertain Significance.

PreventionGenetics, part of Exact Sciences
Classification: Uncertain significance for PDGFRA-related condition. Last evaluated: 2022-09-19. Review status: criteria provided, single submitter. Criteria: ACMG Guidelines, 2015. Collection method: clinical testing. Allele origin: germline.
Comment: The PDGFRA c.371C>T variant is predicted to result in the amino acid substitution p.Pro124Leu. To our knowledge, this variant has not been reported in the literature or in a large population database, indicating this variant is rare. This variant is reported in ClinVar as uncertain. At this time, the clinical significance of this variant is uncertain due to the absence of conclusive functional and genetic evidence.

NM_006206.6(PDGFRA):c.371C>T (p.Pro124Leu)

Gene: PDGFRA (platelet derived growth factor receptor alpha; plus strand). Cytogenetic location: 4q12.
Variant type: single nucleotide variant.
Coding change: c.371C>T on transcript NM_006206.6 (MANE Select); coding-DNA position 371, C replaced by T.
Protein change: p.Pro124Leu; replaces proline 124 with leucine.
Molecular consequence: missense variant.
Genome position (GRCh38, 1-based): chr4:54,263,670, C>T. VCF-style: chr4-54263670-C-T. GRCh37 (hg19) VCF-style: chr4-55129837-C-T.
Other names: c.371C>T, p.Pro124Leu (NM_001347827.2, NM_001347829.2); c.446C>T, p.Pro149Leu (NM_001347828.2); c.410C>T, p.Pro137Leu (NM_001347830.2); c.371C>T (NM_006206.5); short protein forms P124L, P149L, P137L.
Identifiers: ClinVar variation 528612 (VCV000528612.11), dbSNP rs918962982, ClinGen allele CA96848961.